The following is an entry in ClinVar:

NM_001077653.2(TBX20):c.846T>G (p.Phe282Leu)

Gene: TBX20 (T-box transcription factor 20; minus strand). Cytogenetic location: 7p14.2.
Variant type: single nucleotide variant.
Coding change: c.846T>G on transcript NM_001077653.2 (MANE Select); coding-DNA position 846, T replaced by G.
Protein change: p.Phe282Leu; replaces phenylalanine 282 with leucine.
Molecular consequence: missense variant.
Genome position (GRCh38, 1-based): chr7:35,231,548, A>C on the plus strand (T>G on the coding strand, the complement: TBX20 is on the minus strand). VCF-style: chr7-35231548-A-C. GRCh37 (hg19) VCF-style: chr7-35271160-A-C.
Other names: c.846T>G, p.Phe282Leu (NM_001166220.1); short protein forms F282L.
Identifiers: ClinVar variation 2838259 (VCV002838259.3), dbSNP rs1175553365, ClinGen allele CA367263788.

ClinVar aggregate classification (germline): Uncertain significance (1 of 4 stars; one submission).

Submission:

Labcorp Genetics (formerly Invitae), Labcorp
Classification: Uncertain significance. Last evaluated: 2023-03-10. Review status: criteria provided, single submitter. Criteria: Invitae Variant Classification Sherloc (09022015). Collection method: clinical testing. Allele origin: germline.
Comment: This sequence change replaces phenylalanine, which is neutral and non-polar, with leucine, which is neutral and non-polar, at codon 282 of the TBX20 protein (p.Phe282Leu). This variant is not present in population databases (gnomAD no frequency). This variant has not been reported in the literature in individuals affected with TBX20-related conditions. Advanced modeling of protein sequence and biophysical properties (such as structural, functional, and spatial information, amino acid conservation, physicochemical variation, residue mobility, and thermodynamic stability) performed at Invitae indicates that this missense variant is expected to disrupt TBX20 protein function. In summary, the available evidence is currently insufficient to determine the role of this variant in disease. Therefore, it has been classified as a Variant of Uncertain Significance.